The following is an entry in ClinVar:

ClinVar aggregate classification (germline): Uncertain significance (0 of 4 stars; one submission).

Conditions:
PCNT-related disorder. Also called: PCNT-related condition.

gnomAD v4.1: 12 of 1,613,298 alleles (0.00074%); highest among the groups gnomAD compares: Admixed American, 0.0067%; no homozygotes.

Submission:

PreventionGenetics, part of Exact Sciences
Classification: Uncertain significance for PCNT-related condition. Last evaluated: 2024-02-06. Review status: no assertion criteria provided. Collection method: clinical testing. Allele origin: germline.
Comment: The PCNT c.9752C>G variant is predicted to result in the amino acid substitution p.Pro3251Arg. To our knowledge, this variant has not been reported in the literature. This variant is reported in 0.0029% of alleles in individuals of Latino descent in gnomAD. At this time, the clinical significance of this variant is uncertain due to the absence of conclusive functional and genetic evidence.

NM_006031.6(PCNT):c.9752C>G (p.Pro3251Arg)

Gene: PCNT (pericentrin; plus strand). Cytogenetic location: 21q22.3.
Variant type: single nucleotide variant.
Coding change: c.9752C>G on transcript NM_006031.6 (MANE Select); coding-DNA position 9752, C replaced by G.
Protein change: p.Pro3251Arg; replaces proline 3251 with arginine.
Molecular consequence: missense variant.
Genome position (GRCh38, 1-based): chr21:46,443,861, C>G. VCF-style: chr21-46443861-C-G. GRCh37 (hg19) VCF-style: chr21-47863774-C-G.
Other names: c.9161C>G, p.Pro3054Arg (NM_001315529.2); short protein forms P3054R, P3251R.
Identifiers: ClinVar variation 3057719 (VCV003057719.2), dbSNP rs138097697, ClinGen allele CA322029681.